The following is an entry in ClinVar:

ClinVar aggregate classification (germline): Uncertain significance. Review status: criteria provided, multiple submitters, no conflicts (2 of 4 stars). 3 submissions from 3 submitters: Uncertain significance (3). Last evaluated 2025-06-01.

Conditions:
Joubert syndrome 23 (JBTS23). Identifiers: Orphanet 475, MedGen C4084822, MONDO:0014664, OMIM 616490.
Short-rib thoracic dysplasia 14 with polydactyly (SRTD14). Identifiers: Orphanet 397715, MedGen C4225286, MONDO:0014688, OMIM 616546.
Inborn genetic diseases. Identifiers: MedGen C0950123, MeSH D030342.

Allele frequency attached by ClinVar (database versions not stated): gnomAD 0.00003 and 0.00004; gnomAD exomes 0.00003; TOPMed 0.00003; ExAC 0.00004; ESP Exome Variant Server 0.00009.
gnomAD v4.1: 27 of 1,543,468 alleles (0.0017%); highest among the groups gnomAD compares: Admixed American, 0.0058%; no homozygotes.

Submissions (3):

CeGaT Center for Human Genetics Tuebingen
Classification: Uncertain significance. Last evaluated: 2025-06-01. Review status: criteria provided, single submitter. Criteria: CeGaT Center For Human Genetics Tuebingen Variant Classification Criteria Version 2. Collection method: clinical testing. Allele origin: germline. Affected: yes. Observed: 1 variant allele.
Comment: KIAA0586: PM2, BP4

Ambry Genetics
Classification: Uncertain significance for Inborn genetic diseases. Last evaluated: 2025-05-14. Review status: criteria provided, single submitter. Criteria: Ambry Variant Classification Scheme 2023. Collection method: clinical testing. Allele origin: germline.

Labcorp Genetics (formerly Invitae), Labcorp
Classification: Uncertain significance for Joubert syndrome 23; Short-rib thoracic dysplasia 14 with polydactyly. Last evaluated: 2022-04-20. Review status: criteria provided, single submitter. Criteria: Invitae Variant Classification Sherloc (09022015). Collection method: clinical testing. Allele origin: germline.
Comment: This sequence change replaces proline, which is neutral and non-polar, with arginine, which is basic and polar, at codon 1532 of the KIAA0586 protein (p.Pro1532Arg). This variant is present in population databases (rs374096160, gnomAD 0.01%). This variant has not been reported in the literature in individuals affected with KIAA0586-related conditions. Algorithms developed to predict the effect of missense changes on protein structure and function are either unavailable or do not agree on the potential impact of this missense change (SIFT: "Deleterious"; PolyPhen-2: "Possibly Damaging"; Align-GVGD: "Class C0"). Algorithms developed to predict the effect of sequence changes on RNA splicing suggest that this variant may disrupt the consensus splice site. In summary, the available evidence is currently insufficient to determine the role of this variant in disease. Therefore, it has been classified as a Variant of Uncertain Significance.

NM_001329943.3(KIAA0586):c.4436C>G (p.Pro1479Arg)

Gene: KIAA0586 (KIAA0586; plus strand). Cytogenetic location: 14q23.1.
Variant type: single nucleotide variant.
Coding change: c.4436C>G on transcript NM_001329943.3 (MANE Select); coding-DNA position 4436, C replaced by G.
Protein change: p.Pro1479Arg; replaces proline 1479 with arginine.
Molecular consequence: missense variant. On other transcripts: intron variant (2).
Genome position (GRCh38, 1-based): chr14:58,540,077, C>G. VCF-style: chr14-58540077-C-G. GRCh37 (hg19) VCF-style: chr14-59006795-C-G.
Other names: c.4595C>G, p.Pro1532Arg (NM_001244189.2); c.4391C>G, p.Pro1464Arg (NM_001244190.2); c.4181C>G, p.Pro1394Arg (NM_001244191.2, NM_001364701.2); c.4304C>G, p.Pro1435Arg (NM_001244192.2, NM_001329947.2); c.4436C>G, p.Pro1479Arg (NM_001329944.2); c.4208C>G, p.Pro1403Arg (NM_014749.5); c.4430-7704C>G (NM_001329946.2); c.4175-7704C>G (NM_001329945.2); and 1 more; short protein forms P1464R, P1479R, P1435R, P1532R, P1394R, P1403R.
Identifiers: ClinVar variation 1375017 (VCV001375017.12), dbSNP rs374096160, ClinGen allele CA7206401.